The following is an entry in ClinVar:

ClinVar aggregate classification (germline): Conflicting classifications of pathogenicity. Review status: criteria provided, conflicting classifications (1 of 4 stars). 2 submissions from 2 submitters: Likely pathogenic (1); Uncertain significance (1). Last evaluated 2023-04-03.

Conditions:
Progressive sclerosing poliodystrophy (MTDPS4A). Also called: ALPERS PROGRESSIVE INFANTILE POLIODYSTROPHY; Alpers-Huttenlocher Syndrome (AHS); NEURONAL DEGENERATION OF CHILDHOOD WITH LIVER DISEASE, PROGRESSIVE; Mitochondrial DNA depletion syndrome 4A (Alpers type); Mitochondrial DNA Depletion Syndrome 4A; Alpers Syndrome. Identifiers: Orphanet 726, MedGen C0205710, MONDO:0008758, OMIM 203700.

Submissions (2):

GeneDx
Classification: Likely pathogenic. Last evaluated: 2023-04-03. Review status: criteria provided, single submitter. Criteria: GeneDx Variant Classification Process June 2021. Collection method: clinical testing. Allele origin: germline. Affected: yes.
Comment: Has not been previously published as pathogenic or benign to our knowledge; In-frame deletion of 1 amino acid and insertion of 2 amino acids in a non-repeat region predicted to critically alter the protein; Not observed at significant frequency in large population cohorts (gnomAD); In silico analysis supports a deleterious effect on protein structure/function

Labcorp Genetics (formerly Invitae), Labcorp
Classification: Uncertain significance for Progressive sclerosing poliodystrophy. Last evaluated: 2022-05-06. Review status: criteria provided, single submitter. Criteria: Invitae Variant Classification Sherloc (09022015). Collection method: clinical testing. Allele origin: germline.
Comment: In summary, the available evidence is currently insufficient to determine the role of this variant in disease. Therefore, it has been classified as a Variant of Uncertain Significance. This variant, c.2827_2828insTCA, is a complex sequence change that results in the deletion of 1 and insertion of 2 amino acid(s) in the POLG protein (p.Arg943delinsLeuSer). This variant is not present in population databases (gnomAD no frequency). This variant has not been reported in the literature in individuals affected with POLG-related conditions. ClinVar contains an entry for this variant (Variation ID: 1198428). Experimental studies and prediction algorithms are not available or were not evaluated, and the functional significance of this variant is currently unknown.

NM_002693.3(POLG):c.2827_2828insTCA (p.Arg943delinsLeuSer)

Gene: POLG (DNA polymerase gamma, catalytic subunit; minus strand). Cytogenetic location: 15q26.1.
Variant type: Insertion.
Coding change: c.2827_2828insTCA on transcript NM_002693.3 (MANE Select); coding-DNA positions 2827 to 2828, TCA inserted.
Protein change: p.Arg943delinsLeuSer.
Molecular consequence: inframe indel.
Genome position: GRCh38 VCF-style: chr15-89320919-C-CTGA. GRCh37 (hg19) VCF-style: chr15-89864150-C-CTGA.
Other names: c.2827_2828insTCA, p.Arg943delinsLeuSer (NM_001126131.2).
Identifiers: ClinVar variation 1198428 (VCV001198428.8), dbSNP rs2152060994, ClinGen allele CA2499223134.